The following is an entry in ClinVar:

NM_005173.4(ATP2A3):c.870T>C (p.Arg290=)

Gene: ATP2A3 (ATPase sarcoplasmic/endoplasmic reticulum Ca2+ transporting 3; minus strand). Cytogenetic location: 17p13.2.
Variant type: single nucleotide variant.
Coding change: c.870T>C on transcript NM_005173.4 (MANE Select); coding-DNA position 870, T replaced by C.
Protein change: p.Arg290=; no amino-acid change (arginine 290 retained).
Molecular consequence: synonymous variant.
Genome position (GRCh38, 1-based): chr17:3,947,616, A>G on the plus strand (T>C on the coding strand, the complement: ATP2A3 is on the minus strand). VCF-style: chr17-3947616-A-G. GRCh37 (hg19) VCF-style: chr17-3850910-A-G.
Other names: c.870T>C, p.Arg290= (NM_174953.3, NM_174954.3, NM_174955.3 and 3 more transcripts).
Identifiers: ClinVar variation 3057197 (VCV003057197.2), dbSNP rs55837933, ClinGen allele CA8297380.

ClinVar aggregate classification (germline): Benign (0 of 4 stars; one submission).

Conditions:
ATP2A3-related disorder. Also called: ATP2A3-related condition.

Allele frequency attached by ClinVar (database versions not stated): gnomAD exomes 0.00670; ExAC 0.02155; gnomAD 0.06961; 1000 Genomes Project 0.07109; 1000 Genomes Project 30x 0.07730; TOPMed 0.07944; ESP Exome Variant Server 0.08146.
gnomAD v4.1: 20,778 of 1,612,504 alleles (1.3%); highest among the groups gnomAD compares: African/African-American, 24%; 2,319 homozygotes.

Submission:

PreventionGenetics, part of Exact Sciences
Classification: Benign for ATP2A3-related condition. Last evaluated: 2020-01-21. Review status: no assertion criteria provided. Collection method: clinical testing. Allele origin: germline.
Comment: This variant is classified as benign based on ACMG/AMP sequence variant interpretation guidelines (Richards et al. 2015 PMID: 25741868, with internal and published modifications).